The following is an entry in ClinVar:

ClinVar aggregate classification (germline): Likely benign (1 of 4 stars; one submission).

Allele frequency attached by ClinVar (database versions not stated): gnomAD exomes 0.00001.

Submission:

CeGaT Center for Human Genetics Tuebingen
Classification: Likely benign. Last evaluated: 2024-06-01. Review status: criteria provided, single submitter. Criteria: CeGaT Center For Human Genetics Tuebingen Variant Classification Criteria Version 2. Collection method: clinical testing. Allele origin: germline. Affected: yes. Observed: 1 variant allele.
Comment: GATAD2B: BP4, BP7

NM_020699.4(GATAD2B):c.1566A>T (p.Ile522=)

Gene: GATAD2B (GATA zinc finger domain containing 2B; minus strand). Cytogenetic location: 1q21.3.
Variant type: single nucleotide variant.
Coding change: c.1566A>T on transcript NM_020699.4 (MANE Select); coding-DNA position 1566, A replaced by T.
Protein change: p.Ile522=; no amino-acid change (isoleucine 522 retained).
Molecular consequence: synonymous variant.
Genome position (GRCh38, 1-based): chr1:153,811,813, T>A on the plus strand (A>T on the coding strand, the complement: GATAD2B is on the minus strand). VCF-style: chr1-153811813-T-A. GRCh37 (hg19) VCF-style: chr1-153784289-T-A.
Identifiers: ClinVar variation 3251200 (VCV003251200.18), dbSNP rs1406271309.